The following is an entry in ClinVar:

ClinVar aggregate classification (germline): Uncertain significance. Review status: criteria provided, multiple submitters, no conflicts (2 of 4 stars). 2 submissions from 2 submitters: Uncertain significance (2). Last evaluated 2025-07-14.

Conditions:
Frasier syndrome. Identifiers: Orphanet 347, MedGen C0950122, MeSH D052159, MONDO:0007635, OMIM 136680.
Drash syndrome (DDS). Also called: NEPHROPATHY, WILMS TUMOR, AND GENITAL ANOMALIES; WILMS TUMOR AND PSEUDO- OR TRUE HERMAPHRODITISM. Identifiers: Orphanet 220, MedGen C0950121, MONDO:0008682, OMIM 194080.
Wilms tumor 1 (WT1). Also called: Wilms tumor, somatic. Identifiers: Orphanet 654, MedGen CN033288, MONDO:0008679, OMIM 194070.
11p partial monosomy syndrome (WAGR). Also called: CHROMOSOME 11p13 DELETION SYNDROME; WAGR syndrome; WAGR Complex; WAGR Spectrum Disorder. Identifiers: Orphanet 893, MedGen C0206115, MONDO:0008681, OMIM 194072.

gnomAD v4.1: 1 of 1,614,248 alleles (0.000062%); highest among the groups gnomAD compares: Non-Finnish European, 0.000085%; no homozygotes.

Submissions (2):

Color Diagnostics, LLC DBA Color Health
Classification: Uncertain significance for Wilms tumor 1. Last evaluated: 2025-07-14. Review status: criteria provided, single submitter. Criteria: ACMG Guidelines, 2015. Collection method: clinical testing. Allele origin: germline.
Comment: This missense variant replaces threonine with arginine at codon 345 of the WT1 protein. Computational prediction suggests that this variant may not impact protein structure and function. To our knowledge, functional studies have not been reported for this variant. This variant has not been reported in individuals affected with WT1-related disorders in the literature. This variant has not been identified in the general population by the Genome Aggregation Database (gnomAD). The available evidence is insufficient to determine the role of this variant in disease conclusively. Therefore, this variant is classified as a Variant of Uncertain Significance.

Labcorp Genetics (formerly Invitae), Labcorp
Classification: Uncertain significance for Wilms tumor 1; Drash syndrome; 11p partial monosomy syndrome; Frasier syndrome. Last evaluated: 2023-07-22. Review status: criteria provided, single submitter. Criteria: Invitae Variant Classification Sherloc (09022015). Collection method: clinical testing. Allele origin: germline.
Comment: This sequence change replaces threonine, which is neutral and polar, with arginine, which is basic and polar, at codon 345 of the WT1 protein (p.Thr345Arg). This variant is not present in population databases (gnomAD no frequency). This variant has not been reported in the literature in individuals affected with WT1-related conditions. An algorithm developed to predict the effect of missense changes on protein structure and function (PolyPhen-2) suggests that this variant is likely to be disruptive. In summary, the available evidence is currently insufficient to determine the role of this variant in disease. Therefore, it has been classified as a Variant of Uncertain Significance.

NM_024426.6(WT1):c.1049C>G (p.Thr350Arg)

Gene: WT1 (WT1 transcription factor; minus strand). Cytogenetic location: 11p13.
Variant type: single nucleotide variant.
Coding change: c.1049C>G on transcript NM_024426.6 (MANE Select); coding-DNA position 1049, C replaced by G.
Protein change: p.Thr350Arg; replaces threonine 350 with arginine.
Molecular consequence: missense variant. On other transcripts: 5 prime UTR variant (1), non-coding transcript variant (2).
Genome position (GRCh38, 1-based): chr11:32,400,012, G>C on the plus strand (C>G on the coding strand, the complement: WT1 is on the minus strand). VCF-style: chr11-32400012-G-C. GRCh37 (hg19) VCF-style: chr11-32421558-G-C.
Other names: c.1034C>G (NM_024426.4); c.998C>G, p.Thr333Arg (NM_000378.6, NM_001407045.1, NM_001407048.1 and 1 more transcripts); c.398C>G, p.Thr133Arg (NM_001198551.2); c.347C>G, p.Thr116Arg (NM_001198552.2); c.-140C>G (NM_001367854.1); c.1043C>G, p.Thr348Arg (NM_001407044.1); c.1049C>G, p.Thr350Arg (NM_001407046.1, NM_024424.5); c.926C>G, p.Thr309Arg (NM_001407047.1); and 3 more; short protein forms T116R, T333R, T309R, T328R, T350R, T133R, T292R, T348R.
Identifiers: ClinVar variation 2950194 (VCV002950194.4), dbSNP rs764802290, ClinGen allele CA219479493.